The following is an entry in ClinVar:

NM_006424.3(SLC34A2):c.1374G>T (p.Thr458=)

Gene: SLC34A2 (solute carrier family 34 member 2; plus strand). Cytogenetic location: 4p15.2.
Variant type: single nucleotide variant.
Coding change: c.1374G>T on transcript NM_006424.3 (MANE Select); coding-DNA position 1374, G replaced by T.
Protein change: p.Thr458=; no amino-acid change (threonine 458 retained).
Molecular consequence: synonymous variant.
Genome position (GRCh38, 1-based): chr4:25,674,545, G>T. VCF-style: chr4-25674545-G-T. GRCh37 (hg19) VCF-style: chr4-25676167-G-T.
Other names: c.1371G>T, p.Thr457= (NM_001177998.2, NM_001177999.2).
Identifiers: ClinVar variation 2654700 (VCV002654700.24), dbSNP rs202236441, ClinGen allele CA2879814.

ClinVar aggregate classification (germline): Likely benign (1 of 4 stars; one submission).

Allele frequency attached by ClinVar (database versions not stated): ESP Exome Variant Server 0.00008.
gnomAD v4.1: 18 of 1,614,166 alleles (0.0011%); highest among the groups gnomAD compares: Non-Finnish European, 0.0015%; no homozygotes.

Submission:

CeGaT Center for Human Genetics Tuebingen
Classification: Likely benign. Last evaluated: 2023-01-01. Review status: criteria provided, single submitter. Criteria: CeGaT Center For Human Genetics Tuebingen Variant Classification Criteria Version 2. Collection method: clinical testing. Allele origin: germline. Affected: yes. Observed: 1 variant allele.
Comment: SLC34A2: BP4, BP7